The following is an entry in ClinVar:

Conditions:
Breast-ovarian cancer, familial, susceptibility to, 1 (BROVCA1). Also called: BRCA1 Hereditary Breast and Ovarian Cancer; OVARIAN CANCER, SUSCEPTIBILITY TO. Identifiers: Orphanet 145, MedGen C2676676, MONDO:0011450, OMIM 604370. Disease mechanism: loss of function.

Submission:

Brotman Baty Institute, University of Washington
No classification provided (evidence only). Condition: Breast-ovarian cancer, familial 1. Review status: no classification provided. Collection method: in vitro. Allele origin: not applicable. Functional consequence: functionally_normal.
ClinVar note: "not provided" was previously submitted as the classification for the variant. However, the classification appeared to be based only on an observation of functional data so it was converted to no classification on 2025-07-30.

NM_007294.4(BRCA1):c.5468-5T>C

Gene: BRCA1 (BRCA1 DNA repair associated; minus strand). Cytogenetic location: 17q21.31.
Variant type: single nucleotide variant.
Coding change: c.5468-5T>C on transcript NM_007294.4 (MANE Select); 5 bases into the intron before coding-DNA position 5468, T replaced by C.
Molecular consequence: intron variant.
Genome position (GRCh38, 1-based): chr17:43,045,807, A>G on the plus strand (T>C on the coding strand, the complement: BRCA1 is on the minus strand). VCF-style: chr17-43045807-A-G. GRCh37 (hg19) VCF-style: chr17-41197824-A-G.
Other names: c.2015-5T>C (NM_001408458.1, NM_001408461.1, NM_001408464.1 and 7 more transcripts); c.4577-5T>C (NM_001407967.1); c.5087-5T>C (NM_001407959.1); c.5201-5T>C (NM_001407931.1, NM_001407932.1, NM_001407928.1 and 4 more transcripts); c.5324-5T>C (NM_001407747.1, NM_001407745.1, NM_001407737.1 and 18 more transcripts); c.5084-5T>C (NM_001407962.1, NM_001407960.1); c.1655-5T>C (NM_001408512.1); c.1778-5T>C (NM_001408510.1); and 83 more.
Identifiers: ClinVar variation 868559 (VCV000868559.3), dbSNP rs730881498, ClinGen allele CA916080706.
Genomic context (GRCh38, chr17:43,045,807, plus strand): 5'-ACTGTCCAACACCCACTCTCGGGTCACCACAGGTGCCTCACACATCTGCCCAATTGCTGG[A>G]GACAGAGAACACAAGCAGAGATTAGTGTCAATTCATTCTCCTGGACTAGGCTCTAATCAA-3'